The following is an entry in ClinVar:

NM_020686.6(ABAT):c.332C>A (p.Ala111Asp)

Gene: ABAT (4-aminobutyrate aminotransferase; plus strand). Cytogenetic location: 16p13.2.
Variant type: single nucleotide variant.
Coding change: c.332C>A on transcript NM_020686.6 (MANE Select); coding-DNA position 332, C replaced by A.
Protein change: p.Ala111Asp; replaces alanine 111 with aspartic acid.
Molecular consequence: missense variant.
Genome position (GRCh38, 1-based): chr16:8,757,772, C>A. VCF-style: chr16-8757772-C-A. GRCh37 (hg19) VCF-style: chr16-8851629-C-A.
Other names: c.332C>A, p.Ala111Asp (NM_000663.5, NM_001127448.2, NM_001386600.1 and 10 more transcripts); c.197C>A, p.Ala66Asp (NM_001386610.1, NM_001386611.1, NM_001386612.1 and 1 more transcripts); c.86C>A, p.Ala29Asp (NM_001386614.1); c.428C>A, p.Ala143Asp (NM_001386615.1); short protein forms A111D, A143D, A29D, A66D.
Identifiers: ClinVar variation 941758 (VCV000941758.10), dbSNP rs771274821, ClinGen allele CA7893076.
Genomic context (GRCh38, chr16:8,757,772, plus strand): 5'-CCCTTGGATGCAATGAGGTCTCTAACAATACTCTCCTGCCCTCAGGTTACAGCCACCCCG[C>A]CCTGCTGAAACTCATCCAACAGCCTCAAAATGCGGTAGGTCTTGGGGTTACACAGAAGAA-3'
Protein context (NP_065737.2, residues 101-121): SSVPIGYSHP[Ala111Asp]LLKLIQQPQN

ClinVar aggregate classification (germline): Uncertain significance (1 of 4 stars; one submission).

Conditions:
Gamma-aminobutyric acid transaminase deficiency (GABATD). Also called: GABA transaminase deficiency; Gamma aminobutyrate transaminase deficiency; 4 alpha aminobutyrate transaminase deficiency; GABA aminotransaminase deficiency. Identifiers: Orphanet 2066, MedGen C0342708, MONDO:0013166, OMIM 613163.

Allele frequency attached by ClinVar (database versions not stated): gnomAD exomes below 0.00001; ExAC 0.00001.
gnomAD v4.1: 4 of 1,614,104 alleles (0.00025%); highest among the groups gnomAD compares: South Asian, 0.0033%; no homozygotes.

Submission:

Labcorp Genetics (formerly Invitae), Labcorp
Classification: Uncertain significance for Gamma-aminobutyric acid transaminase deficiency. Last evaluated: 2024-10-23. Review status: criteria provided, single submitter. Criteria: Invitae Variant Classification Sherloc (09022015). Collection method: clinical testing. Allele origin: germline.
Comment: This sequence change replaces alanine, which is neutral and non-polar, with aspartic acid, which is acidic and polar, at codon 111 of the ABAT protein (p.Ala111Asp). This variant is present in population databases (rs771274821, gnomAD 0.003%). This variant has not been reported in the literature in individuals affected with ABAT-related conditions. ClinVar contains an entry for this variant (Variation ID: 941758). Invitae Evidence Modeling of protein sequence and biophysical properties (such as structural, functional, and spatial information, amino acid conservation, physicochemical variation, residue mobility, and thermodynamic stability) indicates that this missense variant is not expected to disrupt ABAT protein function with a negative predictive value of 80%. In summary, the available evidence is currently insufficient to determine the role of this variant in disease. Therefore, it has been classified as a Variant of Uncertain Significance.